The following is an entry in ClinVar:

NM_016247.4(IMPG2):c.81A>T (p.Leu27Phe)

Gene: IMPG2 (interphotoreceptor matrix proteoglycan 2; minus strand). Cytogenetic location: 3q12.3.
Variant type: single nucleotide variant.
Coding change: c.81A>T on transcript NM_016247.4 (MANE Select); coding-DNA position 81, A replaced by T.
Protein change: p.Leu27Phe; replaces leucine 27 with phenylalanine.
Molecular consequence: missense variant.
Genome position (GRCh38, 1-based): chr3:101,320,292, T>A on the plus strand (A>T on the coding strand, the complement: IMPG2 is on the minus strand). VCF-style: chr3-101320292-T-A. GRCh37 (hg19) VCF-style: chr3-101039136-T-A.
Other names: short protein forms L27F.
Identifiers: ClinVar variation 2654010 (VCV002654010.24), dbSNP rs2509063372, ClinGen allele CA353859037.

ClinVar aggregate classification (germline): Uncertain significance (1 of 4 stars; one submission).

Submission:

CeGaT Center for Human Genetics Tuebingen
Classification: Uncertain significance. Last evaluated: 2023-02-01. Review status: criteria provided, single submitter. Criteria: CeGaT Center For Human Genetics Tuebingen Variant Classification Criteria Version 2. Collection method: clinical testing. Allele origin: germline. Affected: yes. Observed: 1 variant allele.
Comment: IMPG2: PM2, BP1, BP4